The following is an entry in ClinVar:

NM_007144.3(PCGF2):c.483_484del (p.Val163fs)

Gene: PCGF2 (polycomb group ring finger 2; minus strand). Cytogenetic location: 17q12.
Variant type: Deletion.
Coding change: c.483_484del on transcript NM_007144.3 (MANE Select); coding-DNA positions 483 to 484, 2 bases deleted (AG; older notation c.483_484delAG).
Protein change: p.Val163fs; shifts the reading frame from valine 163.
Molecular consequence: frameshift variant.
Genome position (GRCh38, 1-based): chr17:38,738,445-38,738,446, CT deleted on the plus strand (AG on the coding strand, the reverse complement: PCGF2 is on the minus strand). VCF-style (leftmost placement, unchanged base first): chr17-38738444-CCT-C. GRCh37 (hg19) VCF-style: chr17-36894697-CCT-C.
Other names: c.483_484del, p.Val163fs (NM_001369614.1, NM_001369615.1); short protein forms V163fs.
Identifiers: ClinVar variation 1966787 (VCV001966787.5), dbSNP rs761927304, ClinGen allele CA8524960.
Genomic context (GRCh38, chr17:38,738,444, plus strand): 5'-CGGAGAAACTTGGCAAGATGCATGACGGTCATGGCTGCTGGGCATCGCAGGAAGCGCACC[CCT>C]GTCTGCTGGGGCACAGGCACCCATGGTAGGGGATCCACCCCAGGCCACTCCCTCCCAGCC-3'

ClinVar aggregate classification (germline): Uncertain significance (1 of 4 stars; one submission).

Allele frequency attached by ClinVar (database versions not stated): gnomAD exomes below 0.00001; ExAC 0.00001.

Submission:

Labcorp Genetics (formerly Invitae), Labcorp
Classification: Uncertain significance. Last evaluated: 2022-03-04. Review status: criteria provided, single submitter. Criteria: Invitae Variant Classification Sherloc (09022015). Collection method: clinical testing. Allele origin: germline.
Comment: Experimental studies and prediction algorithms are not available or were not evaluated, and the functional significance of this variant is currently unknown. In summary, the available evidence is currently insufficient to determine the role of this variant in disease. Therefore, it has been classified as a Variant of Uncertain Significance. This variant has not been reported in the literature in individuals affected with PCGF2-related conditions. This sequence change creates a premature translational stop signal (p.Val163Alafs*94) in the PCGF2 gene. While this is not anticipated to result in nonsense mediated decay, it is expected to disrupt the last 182 amino acid(s) of the PCGF2 protein. This variant is present in population databases (rs761927304, gnomAD 0.003%).